The following is an entry in ClinVar:

NM_019074.4(DLL4):c.381C>A (p.Asp127Glu)

Gene: DLL4 (delta like canonical Notch ligand 4; plus strand). Cytogenetic location: 15q15.1.
Variant type: single nucleotide variant.
Coding change: c.381C>A on transcript NM_019074.4 (MANE Select); coding-DNA position 381, C replaced by A.
Protein change: p.Asp127Glu; replaces aspartic acid 127 with glutamic acid.
Molecular consequence: missense variant.
Genome position (GRCh38, 1-based): chr15:40,930,669, C>A. VCF-style: chr15-40930669-C-A. GRCh37 (hg19) VCF-style: chr15-41222867-C-A.
Other names: short protein forms D127E.
Identifiers: ClinVar variation 1412189 (VCV001412189.6), dbSNP rs780722090, ClinGen allele CA7487657.

ClinVar aggregate classification (germline): Uncertain significance (1 of 4 stars; one submission).

Allele frequency attached by ClinVar (database versions not stated): gnomAD 0.00001; TOPMed 0.00002; ExAC 0.00003; gnomAD exomes 0.00003.

Submission:

Labcorp Genetics (formerly Invitae), Labcorp
Classification: Uncertain significance. Last evaluated: 2025-07-07. Review status: criteria provided, single submitter. Criteria: Invitae Variant Classification Sherloc (09022015). Collection method: clinical testing. Allele origin: germline.
Comment: This sequence change replaces aspartic acid, which is acidic and polar, with glutamic acid, which is acidic and polar, at codon 127 of the DLL4 protein (p.Asp127Glu). This variant is present in population databases (rs780722090, gnomAD 0.007%). This variant has not been reported in the literature in individuals affected with DLL4-related conditions. ClinVar contains an entry for this variant (Variation ID: 1412189). Invitae Evidence Modeling of protein sequence and biophysical properties (such as structural, functional, and spatial information, amino acid conservation, physicochemical variation, residue mobility, and thermodynamic stability) indicates that this missense variant is not expected to disrupt DLL4 protein function with a negative predictive value of 80%. In summary, the available evidence is currently insufficient to determine the role of this variant in disease. Therefore, it has been classified as a Variant of Uncertain Significance.